The following is an entry in ClinVar:

NM_001365951.3(KIF1B):c.3597G>T (p.Gln1199His)

Gene: KIF1B (kinesin family member 1B; plus strand). Cytogenetic location: 1p36.22.
Variant type: single nucleotide variant.
Coding change: c.3597G>T on transcript NM_001365951.3 (MANE Select); coding-DNA position 3597, G replaced by T.
Protein change: p.Gln1199His; replaces glutamine 1199 with histidine.
Molecular consequence: missense variant.
Genome position (GRCh38, 1-based): chr1:10,342,133, G>T. VCF-style: chr1-10342133-G-T. GRCh37 (hg19) VCF-style: chr1-10402191-G-T.
Other names: c.3597G>T, p.Gln1199His (NM_001365952.1); c.3459G>T, p.Gln1153His (NM_015074.3); short protein forms Q1199H, Q1153H.
Identifiers: ClinVar variation 4543691 (VCV004543691.1).

ClinVar aggregate classification (germline): Uncertain significance (1 of 4 stars; one submission).

Submission:

Ambry Genetics
Classification: Uncertain significance. Last evaluated: 2025-12-10. Review status: criteria provided, single submitter. Criteria: Ambry Variant Classification Scheme 2023. Collection method: clinical testing. Allele origin: germline.
Comment: The p.Q1153H variant (also known as c.3459G>T), located in coding exon 30 of the KIF1B gene, results from a G to T substitution at nucleotide position 3459. The glutamine at codon 1153 is replaced by histidine, an amino acid with highly similar properties. This amino acid position is conserved. In addition, this alteration is predicted to be tolerated by in silico analysis. Based on the available evidence, the clinical significance of this variant remains unclear.